The following is an entry in ClinVar:

ClinVar aggregate classification (germline): Uncertain significance (1 of 4 stars; one submission).

Conditions:
Autoimmune interstitial lung disease-arthritis syndrome. Also called: Autoinflammation and autoimmunity, systemic, with immune dysregulation. Identifiers: Orphanet 444092, MedGen C5975714, MONDO:0014629.

Submission:

Labcorp Genetics (formerly Invitae), Labcorp
Classification: Uncertain significance for Autoimmune interstitial lung disease-arthritis syndrome. Last evaluated: 2022-02-13. Review status: criteria provided, single submitter. Criteria: Invitae Variant Classification Sherloc (09022015). Collection method: clinical testing. Allele origin: germline.
Comment: In summary, the available evidence is currently insufficient to determine the role of this variant in disease. Therefore, it has been classified as a Variant of Uncertain Significance. This variant disrupts the p.Val242 amino acid residue in COPA. Other variant(s) that disrupt this residue have been observed in individuals with COPA-related conditions (PMID: 31905480; Invitae), which suggests that this may be a clinically significant amino acid residue. Advanced modeling of protein sequence and biophysical properties (such as structural, functional, and spatial information, amino acid conservation, physicochemical variation, residue mobility, and thermodynamic stability) performed at Invitae indicates that this missense variant is expected to disrupt COPA protein function. This missense change has been observed in individual(s) with clinical features of autoimmune interstitial lung, joint, and kidney disease (Invitae). This variant is not present in population databases (gnomAD no frequency). This sequence change replaces valine, which is neutral and non-polar, with aspartic acid, which is acidic and polar, at codon 242 of the COPA protein (p.Val242Asp).

Literature cited by the submitters: PubMed 31905480.

NM_004371.4(COPA):c.725T>A (p.Val242Asp)

Gene: COPA (coat protein complex I subunit alpha; minus strand). Cytogenetic location: 1q23.2.
Variant type: single nucleotide variant.
Coding change: c.725T>A on transcript NM_004371.4 (MANE Select); coding-DNA position 725, T replaced by A.
Protein change: p.Val242Asp; replaces valine 242 with aspartic acid.
Molecular consequence: missense variant.
Genome position (GRCh38, 1-based): chr1:160,314,107, A>T on the plus strand (T>A on the coding strand, the complement: COPA is on the minus strand). VCF-style: chr1-160314107-A-T. GRCh37 (hg19) VCF-style: chr1-160283897-A-T.
Other names: c.725T>A, p.Val242Asp (NM_001098398.2); short protein forms V242D.
Identifiers: ClinVar variation 1408159 (VCV001408159.6), dbSNP rs2101847465, ClinGen allele CA343264504.